The following is an entry in ClinVar:

ClinVar aggregate classification (germline): Uncertain significance (1 of 4 stars; one submission).

Submission:

Labcorp Genetics (formerly Invitae), Labcorp
Classification: Uncertain significance. Last evaluated: 2024-03-14. Review status: criteria provided, single submitter. Criteria: Invitae Variant Classification Sherloc (09022015). Collection method: clinical testing. Allele origin: germline.
Comment: This sequence change replaces glycine, which is neutral and non-polar, with arginine, which is basic and polar, at codon 215 of the AQP2 protein (p.Gly215Arg). This variant is not present in population databases (gnomAD no frequency). This variant has not been reported in the literature in individuals affected with AQP2-related conditions. Advanced modeling of protein sequence and biophysical properties (such as structural, functional, and spatial information, amino acid conservation, physicochemical variation, residue mobility, and thermodynamic stability) has been performed at Invitae for this missense variant, however the output from this modeling did not meet the statistical confidence thresholds required to predict the impact of this variant on AQP2 protein function. In summary, the available evidence is currently insufficient to determine the role of this variant in disease. Therefore, it has been classified as a Variant of Uncertain Significance.

NM_000486.6(AQP2):c.643G>C (p.Gly215Arg)

Genes: AQP2 (aquaporin 2; plus strand), AQP5-AS1 (AQP5 and AQP2 antisense RNA 2; minus strand). Cytogenetic location: 12q13.12.
Variant type: single nucleotide variant.
Coding change: c.643G>C on transcript NM_000486.6 (MANE Select); coding-DNA position 643, G replaced by C.
Protein change: p.Gly215Arg; replaces glycine 215 with arginine.
Molecular consequence: missense variant.
Genome position (GRCh38, 1-based): chr12:49,955,435, G>C. VCF-style: chr12-49955435-G-C. GRCh37 (hg19) VCF-style: chr12-50349218-G-C.
Other names: short protein forms G215R.
Identifiers: ClinVar variation 3608001 (VCV003608001.2).